The following is an entry in ClinVar:

NM_000081.4(LYST):c.8623C>T (p.Arg2875Cys)

Gene: LYST (lysosomal trafficking regulator; minus strand). Cytogenetic location: 1q42.3.
Variant type: single nucleotide variant.
Coding change: c.8623C>T on transcript NM_000081.4 (MANE Select); coding-DNA position 8623, C replaced by T.
Protein change: p.Arg2875Cys; replaces arginine 2875 with cysteine.
Molecular consequence: missense variant.
Genome position (GRCh38, 1-based): chr1:235,733,681, G>A on the plus strand (C>T on the coding strand, the complement: LYST is on the minus strand). VCF-style: chr1-235733681-G-A. GRCh37 (hg19) VCF-style: chr1-235896981-G-A.
Other names: c.8623C>T (NM_000081.2); c.8623C>T, p.Arg2875Cys (NM_001301365.1); short protein forms R2875C.
Identifiers: ClinVar variation 962090 (VCV000962090.7), dbSNP rs757503541, ClinGen allele CA1465792.

ClinVar aggregate classification (germline): Uncertain significance. Review status: criteria provided, multiple submitters, no conflicts (2 of 4 stars). 4 submissions from 4 submitters: Uncertain significance (4). Last evaluated 2025-08-11.

Conditions:
Inborn genetic diseases. Identifiers: MedGen C0950123, MeSH D030342.
LYST-related disorder. Also called: LYST-related condition.
Chédiak-Higashi syndrome (CHS). Also called: Chediak-Higashi Syndrome. Identifiers: Orphanet 167, MedGen C0007965, MONDO:0008963, OMIM 214500.

Allele frequency attached by ClinVar (database versions not stated): gnomAD 0.00002; gnomAD exomes 0.00002; ExAC 0.00004; TOPMed 0.00005.
gnomAD v4.1: 29 of 1,612,178 alleles (0.0018%); highest among the groups gnomAD compares: Admixed American, 0.012%; no homozygotes.

Submissions (4):

Ambry Genetics
Classification: Uncertain significance for Inborn genetic diseases. Last evaluated: 2025-08-11. Review status: criteria provided, single submitter. Criteria: Ambry Variant Classification Scheme 2023. Collection method: clinical testing. Allele origin: germline.

PreventionGenetics, part of Exact Sciences
Classification: Uncertain significance for LYST-related condition. Last evaluated: 2023-03-21. Review status: criteria provided, single submitter. Criteria: ACMG Guidelines, 2015. Collection method: clinical testing. Allele origin: germline.
Comment: The LYST c.8623C>T variant is predicted to result in the amino acid substitution p.Arg2875Cys. To our knowledge, this variant has not been reported in the literature. This variant is reported in 0.020% of alleles in individuals of Latino descent in gnomAD. At this time, the clinical significance of this variant is uncertain due to the absence of conclusive functional and genetic evidence.

Labcorp Genetics (formerly Invitae), Labcorp
Classification: Uncertain significance for Chédiak-Higashi syndrome. Last evaluated: 2022-08-09. Review status: criteria provided, single submitter. Criteria: Invitae Variant Classification Sherloc (09022015). Collection method: clinical testing. Allele origin: germline.
Comment: This sequence change replaces arginine, which is basic and polar, with cysteine, which is neutral and slightly polar, at codon 2875 of the LYST protein (p.Arg2875Cys). This variant is present in population databases (rs757503541, gnomAD 0.02%). This variant has not been reported in the literature in individuals affected with LYST-related conditions. ClinVar contains an entry for this variant (Variation ID: 962090). Algorithms developed to predict the effect of missense changes on protein structure and function are either unavailable or do not agree on the potential impact of this missense change (SIFT: "Deleterious"; PolyPhen-2: "Probably Damaging"; Align-GVGD: "Class C15"). In summary, the available evidence is currently insufficient to determine the role of this variant in disease. Therefore, it has been classified as a Variant of Uncertain Significance.

Blueprint Genetics
Classification: Uncertain significance. Last evaluated: 2020-09-10. Review status: criteria provided, single submitter. Criteria: ACMG Guidelines, 2015. Collection method: clinical testing. Allele origin: germline.